The following is an entry in ClinVar:

ClinVar aggregate classification (germline): Uncertain significance (1 of 4 stars; one submission).

Conditions:
Deafness-lymphedema-leukemia syndrome. Also called: Lymphedema, primary, with myelodysplasia; Emberger syndrome. Identifiers: Orphanet 3226, MedGen C3279664, MONDO:0013540, OMIM 614038.
Monocytopenia with susceptibility to infections. Also called: MONOCYTOPENIA AND MYCOBACTERIAL INFECTION SYNDROME; MONOCYTOPENIA WITH SUSCEPTIBILITY TO MYCOBACTERIAL, FUNGAL, AND PAPILLOMAVIRUS INFECTIONS AND MYELODYSPLASIA; COMBINED IMMUNODEFICIENCY WITH SUSCEPTIBILITY TO MYCOBACTERIAL, VIRAL, AND FUNGAL INFECTIONS; Dendritic cell, monocyte, B lymphocyte, and natural killer lymphocyte deficiency; GATA2 DEFICIENCY; IMMUNODEFICIENCY 21. Identifiers: Orphanet 228423, MedGen C3280030, MONDO:0013607, OMIM 614172.

Submission:

Labcorp Genetics (formerly Invitae), Labcorp
Classification: Uncertain significance for Monocytopenia with susceptibility to infections; Deafness-lymphedema-leukemia syndrome. Last evaluated: 2021-06-23. Review status: criteria provided, single submitter. Criteria: Invitae Variant Classification Sherloc (09022015). Collection method: clinical testing. Allele origin: germline.
Comment: A copy number gain of the genomic region encompassing the full coding sequence of the GATA2 gene has been identified. The boundaries of this event are unknown as they extend beyond the assayed region for this gene and therefore may encompass additional genes. As the precise location of this event is unknown, it may be in tandem or it may be located elsewhere in the genome. This variant has not been reported in the literature in individuals with GATA2-related conditions. Experimental studies and prediction algorithms are not available or were not evaluated, and the functional significance of this variant is currently unknown. In summary, the available evidence is currently insufficient to determine the role of this variant in disease. Therefore, it has been classified as a Variant of Uncertain Significance.

NC_000003.11:g.(?_128199862)_(128205874_?)dup

Gene: GATA2 (GATA binding protein 2; minus strand). Cytogenetic location: 3q21.3.
Variant type: Duplication.
Identifiers: ClinVar variation 1004591 (VCV001004591.2).